The following is an entry in ClinVar:

NM_020928.2(ZSWIM6):c.1760G>C (p.Arg587Thr)

Gene: ZSWIM6 (zinc finger SWIM-type containing 6; plus strand). Cytogenetic location: 5q12.1.
Variant type: single nucleotide variant.
Coding change: c.1760G>C on transcript NM_020928.2 (MANE Select); coding-DNA position 1760, G replaced by C.
Protein change: p.Arg587Thr; replaces arginine 587 with threonine.
Molecular consequence: missense variant.
Genome position (GRCh38, 1-based): chr5:61,526,319, G>C. VCF-style: chr5-61526319-G-C. GRCh37 (hg19) VCF-style: chr5-60822146-G-C.
Other names: c.1760G>C (NM_020928.1); short protein forms R587T.
Identifiers: ClinVar variation 2444153 (VCV002444153.2), dbSNP rs2478349835, ClinGen allele CA359943799.

ClinVar aggregate classification (germline): Uncertain significance. Review status: criteria provided, multiple submitters, no conflicts (2 of 4 stars). 2 submissions from 2 submitters: Uncertain significance (2). Last evaluated 2023-12-12.

Conditions:
Inborn genetic diseases. Identifiers: MedGen C0950123, MeSH D030342.
Acromelic frontonasal dysostosis (AFND). Identifiers: Orphanet 1827, MedGen C1863616, MONDO:0011359, OMIM 603671.

Submissions (2):

Ambry Genetics
Classification: Uncertain significance for Inborn genetic diseases. Last evaluated: 2023-12-12. Review status: criteria provided, single submitter. Criteria: Ambry Variant Classification Scheme 2023. Collection method: clinical testing. Allele origin: germline.

3billion
Classification: Uncertain significance for Acromelic frontonasal dysostosis. Last evaluated: 2023-02-23. Review status: criteria provided, single submitter. Criteria: ACMG Guidelines, 2015. Collection method: clinical testing. Allele origin: unknown. Affected: yes.
Comment: The variant is not observed in the gnomAD v2.1.1 dataset. Missense changes are a common disease-causing mechanism. In silico tool predictions suggest damaging effect of the variant on gene or gene product (REVEL: 0.61; 3Cnet: 0.53). Therefore, this variant is classified as VUS according to the recommendation of ACMG/AMP guideline.